The following is an entry in ClinVar:

NM_020803.5(KLHL8):c.*2476_*2477del

Gene: KLHL8 (kelch like family member 8; minus strand). Cytogenetic location: 4q22.1.
Variant type: Deletion.
Coding change: c.*2476_*2477del on transcript NM_020803.5 (MANE Select); 2476 bases downstream of the stop codon through 2477 bases downstream of the stop codon, 2 bases deleted (AA; older notation c.*2476_*2477delAA).
Molecular consequence: 3 prime UTR variant. On other transcripts: non-coding transcript variant (1).
Genome position (GRCh38, 1-based): chr4:87,161,042-87,161,043, TT deleted on the plus strand (AA on the coding strand, the reverse complement: KLHL8 is on the minus strand); deleting any 2 consecutive bases within chr4:87,161,042-87,161,061 gives the same sequence; the c. name uses the placement nearest the transcript's 3' end. VCF-style (leftmost placement, unchanged base first): chr4-87161041-CTT-C. GRCh37 (hg19) VCF-style: chr4-88082193-CTT-C.
Other names: c.*2476_*2477del (NM_001292003.2, NM_001292006.2, NM_001292007.2); c.*2476_*2477delAA (NM_020803.5).
Identifiers: ClinVar variation 3358891 (VCV003358891.1).

ClinVar aggregate classification (germline): Uncertain significance (0 of 4 stars; one submission).

Conditions:
Catecholaminergic polymorphic ventricular tachycardia (CVPT). Also called: Catecholamine-induced polymorphic ventricular tachycardia. Identifiers: Orphanet 3286, MedGen C5574922, MONDO:0017990.

Submission:

Genetics and Genomics Program, Sidra Medicine
Classification: Uncertain significance for Catecholaminergic polymorphic ventricular tachycardia. Review status: no assertion criteria provided. Collection method: research. Allele origin: unknown. Affected: yes.
Comment: The c.2476_2477delAA missense variant in KLHL8 is not reported in gnomAD (PM2). ACMG codes: PM2.